The following is an entry in ClinVar:

ClinVar aggregate classification (germline): Uncertain significance. Review status: criteria provided, multiple submitters, no conflicts (2 of 4 stars). 2 submissions from 2 submitters: Uncertain significance (2). Last evaluated 2022-03-18.

Allele frequency attached by ClinVar (database versions not stated): gnomAD exomes 0.00002 and 0.00001; ExAC 0.00009.
gnomAD v4.1: 3 of 1,535,346 alleles (0.0002%); highest among the groups gnomAD compares: South Asian, 0.0036%; no homozygotes.

Submissions (2):

Labcorp Genetics (formerly Invitae), Labcorp
Classification: Uncertain significance. Last evaluated: 2022-03-18. Review status: criteria provided, single submitter. Criteria: Invitae Variant Classification Sherloc (09022015). Collection method: clinical testing. Allele origin: germline.
Comment: This sequence change replaces glutamic acid, which is acidic and polar, with lysine, which is basic and polar, at codon 690 of the PDZD7 protein (p.Glu690Lys). This variant is present in population databases (rs758298619, gnomAD 0.01%). This variant has not been reported in the literature in individuals affected with PDZD7-related conditions. Algorithms developed to predict the effect of missense changes on protein structure and function are either unavailable or do not agree on the potential impact of this missense change (SIFT: "Tolerated"; PolyPhen-2: "Not Available"; Align-GVGD: "Class C0"). In summary, the available evidence is currently insufficient to determine the role of this variant in disease. Therefore, it has been classified as a Variant of Uncertain Significance.

GeneDx
Classification: Uncertain significance. Last evaluated: 2022-02-08. Review status: criteria provided, single submitter. Criteria: GeneDx Variant Classification Process June 2021. Collection method: clinical testing. Allele origin: germline. Affected: yes.
Comment: In silico analysis supports that this missense variant does not alter protein structure/function; Has not been previously published as pathogenic or benign to our knowledge

NM_001195263.2(PDZD7):c.2068G>A (p.Glu690Lys)

Gene: PDZD7 (PDZ domain containing 7; minus strand). Cytogenetic location: 10q24.31.
Variant type: single nucleotide variant.
Coding change: c.2068G>A on transcript NM_001195263.2 (MANE Select); coding-DNA position 2068, G replaced by A.
Protein change: p.Glu690Lys; replaces glutamic acid 690 with lysine.
Molecular consequence: missense variant.
Genome position (GRCh38, 1-based): chr10:101,010,821, C>T on the plus strand (G>A on the coding strand, the complement: PDZD7 is on the minus strand). VCF-style: chr10-101010821-C-T. GRCh37 (hg19) VCF-style: chr10-102770578-C-T.
Other names: short protein forms E690K.
Identifiers: ClinVar variation 1700393 (VCV001700393.7), dbSNP rs758298619, ClinGen allele CA5654003.